The following is an entry in ClinVar:

ClinVar aggregate classification (germline): Uncertain significance. Review status: criteria provided, multiple submitters, no conflicts (2 of 4 stars). 2 submissions from 2 submitters: Uncertain significance (2). Last evaluated 2025-08-27.

Conditions:
Encephalopathy, acute, infection-induced (herpes-specific), susceptibility to, 6. Also called: Herpes simplex encephalitis, susceptibility to, 4. Identifiers: Orphanet 1930, MedGen C3553869, MONDO:0013921, OMIM 614850.

Allele frequency attached by ClinVar (database versions not stated): gnomAD 0.00001; gnomAD exomes 0.00001; TOPMed 0.00002.

Submissions (2):

Ambry Genetics
Classification: Uncertain significance. Last evaluated: 2025-08-27. Review status: criteria provided, single submitter. Criteria: Ambry Variant Classification Scheme 2023. Collection method: clinical testing. Allele origin: germline.

Labcorp Genetics (formerly Invitae), Labcorp
Classification: Uncertain significance for Encephalopathy, acute, infection-induced (herpes-specific), susceptibility to, 6. Last evaluated: 2025-07-28. Review status: criteria provided, single submitter. Criteria: Invitae Variant Classification Sherloc (09022015). Collection method: clinical testing. Allele origin: germline.
Comment: This sequence change replaces glycine, which is neutral and non-polar, with serine, which is neutral and polar, at codon 79 of the TICAM1 protein (p.Gly79Ser). This variant is present in population databases (no rsID available, gnomAD 0.0008%). This variant has not been reported in the literature in individuals affected with TICAM1-related conditions. ClinVar contains an entry for this variant (Variation ID: 844805). An algorithm developed to predict the effect of missense changes on protein structure and function outputs the following: PolyPhen-2: "Benign". The serine amino acid residue is found in multiple mammalian species, which suggests that this missense change does not adversely affect protein function. In summary, the available evidence is currently insufficient to determine the role of this variant in disease. Therefore, it has been classified as a Variant of Uncertain Significance.

NM_182919.4(TICAM1):c.235G>A (p.Gly79Ser)

Gene: TICAM1 (TIR domain containing adaptor molecule 1; minus strand). Cytogenetic location: 19p13.3.
Variant type: single nucleotide variant.
Coding change: c.235G>A on transcript NM_182919.4 (MANE Select); coding-DNA position 235, G replaced by A.
Protein change: p.Gly79Ser; replaces glycine 79 with serine.
Molecular consequence: missense variant.
Genome position (GRCh38, 1-based): chr19:4,818,143, C>T on the plus strand (G>A on the coding strand, the complement: TICAM1 is on the minus strand). VCF-style: chr19-4818143-C-T. GRCh37 (hg19) VCF-style: chr19-4818155-C-T.
Other names: c.235G>A (NM_182919.2); short protein forms G79S.
Identifiers: ClinVar variation 844805 (VCV000844805.11), dbSNP rs935231020, ClinGen allele CA403493216.